The following is an entry in ClinVar:

NM_018975.4(TERF2IP):c.271A>T (p.Asn91Tyr)

Gene: TERF2IP (TERF2 interacting protein; plus strand). Cytogenetic location: 16q23.1.
Variant type: single nucleotide variant.
Coding change: c.271A>T on transcript NM_018975.4 (MANE Select); coding-DNA position 271, A replaced by T.
Protein change: p.Asn91Tyr; replaces asparagine 91 with tyrosine.
Molecular consequence: missense variant. On other transcripts: non-coding transcript variant (1).
Genome position (GRCh38, 1-based): chr16:75,648,153, A>T. VCF-style: chr16-75648153-A-T. GRCh37 (hg19) VCF-style: chr16-75682051-A-T.
Other names: short protein forms N91Y.
Identifiers: ClinVar variation 1795154 (VCV001795154.2), dbSNP rs1204646311, ClinGen allele CA396817568.

ClinVar aggregate classification (germline): Uncertain significance (1 of 4 stars; one submission).

Submission:

Ambry Genetics
Classification: Uncertain significance. Last evaluated: 2022-04-26. Review status: criteria provided, single submitter. Criteria: Ambry Variant Classification Scheme 2023. Collection method: clinical testing. Allele origin: germline.
Comment: The p.N91Y variant (also known as c.271A>T), located in coding exon 1 of the TERF2IP gene, results from an A to T substitution at nucleotide position 271. The asparagine at codon 91 is replaced by tyrosine, an amino acid with dissimilar properties. This amino acid position is conserved. In addition, the in silico prediction for this alteration is inconclusive. Since supporting evidence is limited at this time, the clinical significance of this alteration remains unclear.